The following is an entry in ClinVar:

NM_022455.5(NSD1):c.7966C>T (p.Gln2656Ter)

Gene: NSD1 (nuclear receptor binding SET domain protein 1; plus strand). Cytogenetic location: 5q35.3.
Variant type: single nucleotide variant.
Coding change: c.7966C>T on transcript NM_022455.5 (MANE Select); coding-DNA position 7966, C replaced by T.
Protein change: p.Gln2656Ter; replaces glutamine 2656 with a stop codon.
Molecular consequence: nonsense.
Genome position (GRCh38, 1-based): chr5:177,295,334, C>T. VCF-style: chr5-177295334-C-T. GRCh37 (hg19) VCF-style: chr5-176722335-C-T.
Other names: c.7093C>T, p.Gln2365Ter (NM_001365684.2, NM_001409308.1, NM_172349.5); c.7966C>T, p.Gln2656Ter (NM_001409301.1, NM_001409302.1, NM_001409303.1); c.7546C>T, p.Gln2516Ter (NM_001409304.1); c.7213C>T, p.Gln2405Ter (NM_001409305.1); c.7204C>T, p.Gln2402Ter (NM_001409306.1, NM_001409307.1); c.6844C>T, p.Gln2282Ter (NM_001409309.1); short protein forms Q2656*, Q2387*, Q2365*, Q2516*, Q2405*, Q2282*, Q2402*.
Identifiers: ClinVar variation 209176 (VCV000209176.3), dbSNP rs797045058, ClinGen allele CA319686.

ClinVar aggregate classification (germline): Pathogenic (1 of 4 stars; one submission).

Conditions:
Sotos syndrome (SOTOS). Also called: Sotos' syndrome; CHROMOSOME 5q35 DELETION SYNDROME; CEREBRAL GIGANTISM; Distinctive facial appearance, overgrowth in childhood, and learning disabilities or delayed development; SOTOS SYNDROME 1. Identifiers: Orphanet 821, MedGen C0175695, MONDO:0019349, OMIM 117550.

Submission:

Baylor Genetics
Classification: Pathogenic for Sotos syndrome 1. Last evaluated: 2014-03-20. Review status: criteria provided, single submitter. Criteria: Yang et al. 2013. Collection method: clinical testing. Allele origin: de novo. Inheritance: Autosomal dominant inheritance. Affected: yes. Observed: 1 variant allele, 1 heterozygote. Study: Adult_WES.

Literature cited by the submitters: PubMed 26633545.